The following is an entry in ClinVar:

ClinVar aggregate classification (germline): Uncertain significance (1 of 4 stars; one submission).

Conditions:
Hypertrophic cardiomyopathy 19. Also called: Familial hypertrophic cardiomyopathy 19. Identifiers: MedGen CN077603, MONDO:0013476.

gnomAD v4.1: 4 of 1,614,072 alleles (0.00025%); highest among the groups gnomAD compares: African/African-American, 0.004%; no homozygotes.

Submission:

Labcorp Genetics (formerly Invitae), Labcorp
Classification: Uncertain significance for Hypertrophic cardiomyopathy 19. Last evaluated: 2025-10-27. Review status: criteria provided, single submitter. Criteria: Invitae Variant Classification Sherloc (09022015). Collection method: clinical testing. Allele origin: germline.
Comment: This sequence change replaces lysine, which is basic and polar, with glutamic acid, which is acidic and polar, at codon 111 of the CALR3 protein (p.Lys111Glu). This variant is not present in population databases (gnomAD no frequency). This variant has not been reported in the literature in individuals affected with CALR3-related conditions. Invitae Evidence Modeling of protein sequence and biophysical properties (such as structural, functional, and spatial information, amino acid conservation, physicochemical variation, residue mobility, and thermodynamic stability) indicates that this missense variant is expected to disrupt CALR3 protein function with a positive predictive value of 80%. In summary, the available evidence is currently insufficient to determine the role of this variant in disease. Therefore, it has been classified as a Variant of Uncertain Significance.

NM_145046.5(CALR3):c.331A>G (p.Lys111Glu)

Gene: CALR3 (calreticulin 3; minus strand). Cytogenetic location: 19p13.11.
Variant type: single nucleotide variant.
Coding change: c.331A>G on transcript NM_145046.5 (MANE Select); coding-DNA position 331, A replaced by G.
Protein change: p.Lys111Glu; replaces lysine 111 with glutamic acid.
Molecular consequence: missense variant.
Genome position (GRCh38, 1-based): chr19:16,490,433, T>C on the plus strand (A>G on the coding strand, the complement: CALR3 is on the minus strand). VCF-style: chr19-16490433-T-C. GRCh37 (hg19) VCF-style: chr19-16601244-T-C.
Other names: short protein forms K111E.
Identifiers: ClinVar variation 4692188 (VCV004692188.1).